The following is an entry in ClinVar:

NM_001382391.1(CSPP1):c.2332G>A (p.Ala778Thr)

Gene: CSPP1 (centrosome and spindle pole associated protein 1; plus strand). Cytogenetic location: 8q13.2.
Variant type: single nucleotide variant.
Coding change: c.2332G>A on transcript NM_001382391.1 (MANE Select); coding-DNA position 2332, G replaced by A.
Protein change: p.Ala778Thr; replaces alanine 778 with threonine.
Molecular consequence: missense variant.
Genome position (GRCh38, 1-based): chr8:67,158,537, G>A. VCF-style: chr8-67158537-G-A. GRCh37 (hg19) VCF-style: chr8-68070772-G-A.
Other names: c.1282G>A, p.Ala428Thr (NM_001291339.2); c.2251G>A, p.Ala751Thr (NM_001363131.2); c.2137G>A, p.Ala713Thr (NM_001363132.2); c.2056G>A, p.Ala686Thr (NM_001363133.2); c.2398G>A, p.Ala800Thr (NM_001364869.1); c.2218G>A, p.Ala740Thr (NM_001364870.1); c.2317G>A, p.Ala773Thr (NM_024790.7); short protein forms A428T, A686T, A713T, A740T, A751T, A773T, A778T, A800T.
Identifiers: ClinVar variation 1327392 (VCV001327392.6), dbSNP rs1421808533, ClinGen allele CA371188722.

ClinVar aggregate classification (germline): Uncertain significance. Review status: criteria provided, multiple submitters, no conflicts (2 of 4 stars). 2 submissions from 2 submitters: Uncertain significance (2). Last evaluated 2021-10-08.

Conditions:
Joubert syndrome 21 (JBTS21). Identifiers: MedGen C3810212, MONDO:0014288, OMIM 615636.

Allele frequency attached by ClinVar (database versions not stated): gnomAD 0.00001; TOPMed 0.00001.
gnomAD v4.1: 2 of 1,612,062 alleles (0.00012%); highest among the groups gnomAD compares: Non-Finnish European, 0.00017%; no homozygotes.

Submissions (2):

Labcorp Genetics (formerly Invitae), Labcorp
Classification: Uncertain significance for Joubert syndrome 21. Last evaluated: 2021-10-08. Review status: criteria provided, single submitter. Criteria: Invitae Variant Classification Sherloc (09022015). Collection method: clinical testing. Allele origin: germline.
Comment: In summary, the available evidence is currently insufficient to determine the role of this variant in disease. Therefore, it has been classified as a Variant of Uncertain Significance. Algorithms developed to predict the effect of missense changes on protein structure and function are either unavailable or do not agree on the potential impact of this missense change (SIFT: "Tolerated"; PolyPhen-2: "Probably Damaging"; Align-GVGD: "Class C0"). This variant has not been reported in the literature in individuals affected with CSPP1-related conditions. This variant is not present in population databases (ExAC no frequency). This sequence change replaces alanine with threonine at codon 773 of the CSPP1 protein (p.Ala773Thr). The alanine residue is moderately conserved and there is a small physicochemical difference between alanine and threonine.

GeneDx
Classification: Uncertain significance. Last evaluated: 2021-06-04. Review status: criteria provided, single submitter. Criteria: GeneDx Variant Classification Process June 2021. Collection method: clinical testing. Allele origin: germline. Affected: yes.
Comment: This variant is associated with the following publications: (PMID: 27535533, 24360808)